The following is an entry in ClinVar:

ClinVar aggregate classification (germline): Uncertain significance (1 of 4 stars; one submission).

Allele frequency attached by ClinVar (database versions not stated): ExAC 0.00004; gnomAD 0.00005; TOPMed 0.00006.
gnomAD v4.1: 29 of 1,613,562 alleles (0.0018%); highest among the groups gnomAD compares: Admixed American, 0.005%; no homozygotes.

Submission:

Labcorp Genetics (formerly Invitae), Labcorp
Classification: Uncertain significance. Last evaluated: 2024-10-11. Review status: criteria provided, single submitter. Criteria: Invitae Variant Classification Sherloc (09022015). Collection method: clinical testing. Allele origin: germline.
Comment: This sequence change replaces arginine, which is basic and polar, with glutamine, which is neutral and polar, at codon 167 of the PSMG2 protein (p.Arg167Gln). This variant is present in population databases (rs753428683, gnomAD 0.005%). This variant has not been reported in the literature in individuals affected with PSMG2-related conditions. ClinVar contains an entry for this variant (Variation ID: 1983953). An algorithm developed to predict the effect of missense changes on protein structure and function outputs the following: PolyPhen-2: "Benign". The glutamine amino acid residue is found in multiple mammalian species, which suggests that this missense change does not adversely affect protein function. In summary, the available evidence is currently insufficient to determine the role of this variant in disease. Therefore, it has been classified as a Variant of Uncertain Significance.

NM_020232.5(PSMG2):c.500G>A (p.Arg167Gln)

Gene: PSMG2 (proteasome assembly chaperone 2; plus strand). Cytogenetic location: 18p11.21.
Variant type: single nucleotide variant.
Coding change: c.500G>A on transcript NM_020232.5 (MANE Select); coding-DNA position 500, G replaced by A.
Protein change: p.Arg167Gln; replaces arginine 167 with glutamine.
Molecular consequence: missense variant.
Genome position (GRCh38, 1-based): chr18:12,720,602, G>A. VCF-style: chr18-12720602-G-A. GRCh37 (hg19) VCF-style: chr18-12720601-G-A.
Other names: c.407G>A, p.Arg136Gln (NM_147163.2); short protein forms R136Q, R167Q.
Identifiers: ClinVar variation 1983953 (VCV001983953.4), dbSNP rs753428683, ClinGen allele CA8898421.
Genomic context (GRCh38, chr18:12,720,602, plus strand): 5'-TGCAAAAAAGTGTTCAAAATAAAATAAAGAGCCTTAACTGGGAAGAAATGGAAAAAAGCC[G>A]GTGCATTCCTGAAATAGATGATTCCGAGTTTTGTATCCGCATTCCGGGAGGAGGTATCAC-3'
Protein context (NP_064617.2, residues 157-177): SLNWEEMEKS[Arg167Gln]CIPEIDDSEF